The following is an entry in ClinVar:

ClinVar aggregate classification (germline): Pathogenic/Likely pathogenic. Review status: criteria provided, multiple submitters, no conflicts (2 of 4 stars). 2 submissions from 2 submitters: Pathogenic (1); Likely pathogenic (1). Last evaluated 2026-08-01.

Conditions:
Hereditary pheochromocytoma and paraganglioma. Also called: Hereditary Paraganglioma-Pheochromocytoma Syndromes; Hereditary paragangliomas and pheochromocytomas; Hereditary pheochromocytoma-paraganglioma. Identifiers: Orphanet 29072, MedGen C4274332, MONDO:0017366.

Submissions (2):

CeGaT Center for Human Genetics Tuebingen
Classification: Likely pathogenic. Last evaluated: 2026-08-01. Review status: criteria provided, single submitter. Criteria: CeGaT Center For Human Genetics Tuebingen Variant Classification Criteria Version 2. Collection method: clinical testing. Allele origin: germline. Affected: yes. Observed: 1 variant allele.
Comment: TMEM127: PVS1:Strong, PM2, PS4:Supporting

Labcorp Genetics (formerly Invitae), Labcorp
Classification: Pathogenic for Hereditary pheochromocytoma and paraganglioma. Last evaluated: 2024-02-03. Review status: criteria provided, single submitter. Criteria: Invitae Variant Classification Sherloc (09022015). Collection method: clinical testing. Allele origin: germline.
Comment: This sequence change results in a frameshift in the TMEM127 gene (p.Ala181Glufs*122). While this is not anticipated to result in nonsense mediated decay, it is expected to disrupt the last 58 amino acid(s) of the TMEM127 protein and extend the protein by 63 additional amino acid residues. This variant is not present in population databases (gnomAD no frequency). This variant has not been reported in the literature in individuals affected with TMEM127-related conditions. ClinVar contains an entry for this variant (Variation ID: 954293). This variant results in an extension of the TMEM127 protein. Other variant(s) that result in a similarly extended protein product (p.Thr191Argfs*116) have been determined to be pathogenic (PMID: 26960314, 28567294; Invitae). This suggests that these extensions are likely to be disease-causing. For these reasons, this variant has been classified as Pathogenic.

Literature cited by the submitters: PubMed 26960314 (cited by Labcorp Genetics (formerly Invitae), Labcorp); PubMed 28567294 (cited by Labcorp Genetics (formerly Invitae), Labcorp).

NM_017849.4(TMEM127):c.542_554del (p.Ala181fs)

Gene: TMEM127 (transmembrane protein 127; minus strand). Cytogenetic location: 2q11.2.
Variant type: Deletion.
Coding change: c.542_554del on transcript NM_017849.4 (MANE Select); coding-DNA positions 542 to 554, 13 bases deleted (CAGGAGCTGGTGG).
Protein change: p.Ala181fs; shifts the reading frame from alanine 181.
Molecular consequence: frameshift variant.
Genome position (GRCh38, 1-based): chr2:96,253,971-96,253,983, CCACCAGCTCCTG deleted on the plus strand (CAGGAGCTGGTGG on the coding strand, the reverse complement: TMEM127 is on the minus strand); deleting any 13 consecutive bases within chr2:96,253,971-96,253,990 gives the same sequence; the c. name uses the placement nearest the transcript's 3' end. VCF-style (leftmost placement, unchanged base first): chr2-96253970-TCCACCAGCTCCTG-T. GRCh37 (hg19) VCF-style: chr2-96919708-TCCACCAGCTCCTG-T.
Other names: c.542_554del, p.Ala181fs (NM_001193304.3); short protein forms A181fs.
Identifiers: ClinVar variation 954293 (VCV000954293.10), dbSNP rs1684147771, ClinGen allele CA1139655615.